The following is an entry in ClinVar:

ClinVar aggregate classification (germline): Conflicting classifications of pathogenicity. Review status: criteria provided, conflicting classifications (1 of 4 stars). 2 submissions from 2 submitters: Uncertain significance (1); Likely benign (1). Last evaluated 2025-08-07.

Allele frequency attached by ClinVar (database versions not stated): TOPMed 0.00002; gnomAD 0.00005; gnomAD exomes 0.00009; ExAC 0.00035; 1000 Genomes Project 30x 0.00042; 1000 Genomes Project 0.00053.
gnomAD v4.1: 109 of 1,198,233 alleles (0.0091%); highest among the groups gnomAD compares: South Asian, 0.12%; 1 homozygote.

Submissions (2):

Ambry Genetics
Classification: Uncertain significance. Last evaluated: 2025-08-07. Review status: criteria provided, single submitter. Criteria: Ambry Variant Classification Scheme 2023. Collection method: clinical testing. Allele origin: germline.

CeGaT Center for Human Genetics Tuebingen
Classification: Likely benign. Last evaluated: 2023-02-01. Review status: criteria provided, single submitter. Criteria: CeGaT Center For Human Genetics Tuebingen Variant Classification Criteria Version 2. Collection method: clinical testing. Allele origin: germline. Affected: yes. Observed: 1 variant allele.
Comment: SHROOM2: BP4, BS2

NM_001649.4(SHROOM2):c.1840G>A (p.Ala614Thr)

Gene: SHROOM2 (shroom family member 2; plus strand). Cytogenetic location: Xp22.2.
Variant type: single nucleotide variant.
Coding change: c.1840G>A on transcript NM_001649.4 (MANE Select); coding-DNA position 1840, G replaced by A.
Protein change: p.Ala614Thr; replaces alanine 614 with threonine.
Molecular consequence: missense variant.
Genome position (GRCh38, 1-based): chrX:9,895,748, G>A. VCF-style: chrX-9895748-G-A. GRCh37 (hg19) VCF-style: chrX-9863788-G-A.
Other names: c.1840G>A (NM_001649.2); short protein forms A614T.
Identifiers: ClinVar variation 2659954 (VCV002659954.25), dbSNP rs768642690, ClinGen allele CA10345465.
Genomic context (GRCh38, chrX:9,895,748, plus strand): 5'-GGGAAGCGCCGGCCTGAGAGCAGTCCAGAGGACAGCGCCACCAGACCGCCACCGTTCGAC[G>A]CCCACGTGGGCAAGCCCACCCGAAGAAGCGACCGCTTTGCCACCACCCTGCGGAATGAGA-3'
Protein context (NP_001640.1, residues 604-624): DSATRPPPFD[Ala614Thr]HVGKPTRRSD